The following is an entry in ClinVar:

NM_001384474.1(LOXHD1):c.465G>A (p.Trp155Ter)

Gene: LOXHD1 (lipoxygenase homology PLAT domains 1; minus strand). Cytogenetic location: 18q21.1.
Variant type: single nucleotide variant.
Coding change: c.465G>A on transcript NM_001384474.1 (MANE Select); coding-DNA position 465, G replaced by A.
Protein change: p.Trp155Ter; replaces tryptophan 155 with a stop codon.
Molecular consequence: nonsense.
Genome position (GRCh38, 1-based): chr18:46,639,662, C>T on the plus strand (G>A on the coding strand, the complement: LOXHD1 is on the minus strand). VCF-style: chr18-46639662-C-T. GRCh37 (hg19) VCF-style: chr18-44219625-C-T.
Other names: c.465G>A, p.Trp155Ter (NM_144612.7); short protein forms W155*.
Identifiers: ClinVar variation 2855270 (VCV002855270.3), dbSNP rs2511996855, ClinGen allele CA402369670.

ClinVar aggregate classification (germline): Pathogenic (1 of 4 stars; one submission).

Submission:

Labcorp Genetics (formerly Invitae), Labcorp
Classification: Pathogenic. Last evaluated: 2024-01-12. Review status: criteria provided, single submitter. Criteria: Invitae Variant Classification Sherloc (09022015). Collection method: clinical testing. Allele origin: germline.
Comment: This sequence change creates a premature translational stop signal (p.Trp155*) in the LOXHD1 gene. It is expected to result in an absent or disrupted protein product. Loss-of-function variants in LOXHD1 are known to be pathogenic (PMID: 19732867, 21465660, 25792669). This variant is not present in population databases (gnomAD no frequency). This variant has not been reported in the literature in individuals affected with LOXHD1-related conditions. For these reasons, this variant has been classified as Pathogenic.

Literature cited by the submitters: PubMed 19732867; PubMed 21465660; PubMed 25792669.